The following is an entry in ClinVar:

ClinVar aggregate classification (germline): Uncertain significance (1 of 4 stars; one submission).

Allele frequency attached by ClinVar (database versions not stated): gnomAD exomes below 0.00001.
gnomAD v4.1: 1 of 1,613,184 alleles (0.000062%); highest among the groups gnomAD compares: Non-Finnish European, 0.000085%; no homozygotes.

Submission:

Labcorp Genetics (formerly Invitae), Labcorp
Classification: Uncertain significance. Last evaluated: 2022-08-09. Review status: criteria provided, single submitter. Criteria: Invitae Variant Classification Sherloc (09022015). Collection method: clinical testing. Allele origin: germline.
Comment: This sequence change replaces methionine, which is neutral and non-polar, with valine, which is neutral and non-polar, at codon 336 of the LCA5 protein (p.Met336Val). This variant is not present in population databases (gnomAD no frequency). This variant has not been reported in the literature in individuals affected with LCA5-related conditions. ClinVar contains an entry for this variant (Variation ID: 1388186). Algorithms developed to predict the effect of missense changes on protein structure and function (SIFT, PolyPhen-2, Align-GVGD) all suggest that this variant is likely to be tolerated. In summary, the available evidence is currently insufficient to determine the role of this variant in disease. Therefore, it has been classified as a Variant of Uncertain Significance.

NM_001122769.3(LCA5):c.1006A>G (p.Met336Val)

Gene: LCA5 (lebercilin LCA5; minus strand). Cytogenetic location: 6q14.1.
Variant type: single nucleotide variant.
Coding change: c.1006A>G on transcript NM_001122769.3 (MANE Select); coding-DNA position 1006, A replaced by G.
Protein change: p.Met336Val; replaces methionine 336 with valine.
Molecular consequence: missense variant.
Genome position (GRCh38, 1-based): chr6:79,491,680, T>C on the plus strand (A>G on the coding strand, the complement: LCA5 is on the minus strand). VCF-style: chr6-79491680-T-C. GRCh37 (hg19) VCF-style: chr6-80201397-T-C.
Other names: c.1006A>G, p.Met336Val (NM_181714.4); short protein forms M336V.
Identifiers: ClinVar variation 1388186 (VCV001388186.5), dbSNP rs2127668733, ClinGen allele CA364644088.